The following is an entry in ClinVar:

NM_001034842.5(PTCHD3):c.923dup (p.Ser309fs)

Gene: PTCHD3 (patched domain containing 3 (gene/pseudogene); minus strand). Cytogenetic location: 10p12.1.
Variant type: Duplication.
Coding change: c.923dup on transcript NM_001034842.5; coding-DNA position 923, one base duplicated (G; older notation c.923dupG).
Protein change: p.Ser309fs; shifts the reading frame from serine 309.
Molecular consequence: frameshift variant.
Genome position (GRCh38, 1-based): chr10:27,413,328, C duplicated on the plus strand (G on the coding strand, the reverse complement: PTCHD3 is on the minus strand); the first of 6 consecutive C bases (chr10:27,413,328-27,413,333); duplicating any one gives the same sequence. VCF-style (leftmost placement, unchanged base first): chr10-27413327-G-GC. GRCh37 (hg19) VCF-style: chr10-27702256-G-GC.
Other names: p.Ser309GlnfsX26; c.923dupG (NM_001034842.3); short protein forms S309fs.
Identifiers: ClinVar variation 403352 (VCV000403352.5), dbSNP rs75297921, ClinGen allele CA5451731.
Genomic context (GRCh38, chr10:27,413,327, plus strand): 5'-CAGGTAGTACAGCAGCCGCATGGCTTTGGCCCGCAGGAGTAACTGGCCCATTCCTAGGCT[G>GC]CCCCCCAAGATGTATCCTCCGAAGAAGCCGGTCAGGTAGAGGGGATGCCTGCCGTGGTTG-3'

ClinVar aggregate classification (germline): Benign (1 of 4 stars; one submission).

Submission:

Laboratory for Molecular Medicine, Mass General Brigham Personalized Medicine
Classification: Benign. Last evaluated: 2016-03-28. Review status: criteria provided, single submitter. Criteria: LMM Criteria. Collection method: clinical testing. Allele origin: germline.
Comment: Variant identified in a genome or exome case(s) and assessed due to predicted null impact of the variant or pathogenic assertions in the literature or databases. Disclaimer: This variant has not undergone full assessment. The following are preliminary notes: Frequency in 1000Genomes: 584/2178=26.81%